The following is an entry in ClinVar:

NM_002691.4(POLD1):c.3094C>T (p.Arg1032Trp)

Gene: POLD1 (DNA polymerase delta 1, catalytic subunit; plus strand). Cytogenetic location: 19q13.33.
Variant type: single nucleotide variant.
Coding change: c.3094C>T on transcript NM_002691.4 (MANE Select); coding-DNA position 3094, C replaced by T.
Protein change: p.Arg1032Trp; replaces arginine 1032 with tryptophan.
Molecular consequence: missense variant. On other transcripts: non-coding transcript variant (1).
Genome position (GRCh38, 1-based): chr19:50,417,071, C>T. VCF-style: chr19-50417071-C-T. GRCh37 (hg19) VCF-style: chr19-50920328-C-T.
Other names: c.3094C>T, p.Arg1032Trp (NM_001256849.1); c.3172C>T, p.Arg1058Trp (NM_001308632.1); c.3094C>T (NM_002691.2); short protein forms R1058W, R1032W.
Identifiers: ClinVar variation 407956 (VCV000407956.18), dbSNP rs760766848, ClinGen allele CA9596746.

ClinVar aggregate classification (germline): Uncertain significance. Review status: criteria provided, multiple submitters, no conflicts (2 of 4 stars). 5 submissions from 5 submitters: Uncertain significance (5). Last evaluated 2025-12-22.

Conditions:
Hereditary cancer-predisposing syndrome. Also called: Neoplastic Syndromes, Hereditary; Hereditary neoplastic syndrome; Hereditary Cancer Syndrome; Tumor predisposition. Identifiers: Orphanet 140162, MedGen C0027672, MeSH D009386, MONDO:0015356.
POLD1-related polyposis and colorectal cancer syndrome (CRCS10). Also called: Colorectal cancer, susceptibility to, 10; Colorectal cancer 10; COLORECTAL CANCER, SUSCEPTIBILITY TO, ON CHROMOSOME 19q. Identifiers: Orphanet 220460, MedGen C2675481, MONDO:0012953, OMIM 612591.

Allele frequency attached by ClinVar (database versions not stated): gnomAD 0.00001; TOPMed 0.00002; gnomAD exomes 0.00003; ExAC 0.00005.
gnomAD v4.1: 23 of 1,553,674 alleles (0.0015%); highest among the groups gnomAD compares: East Asian, 0.0097%; no homozygotes.

Submissions (5):

Labcorp Genetics (formerly Invitae), Labcorp
Classification: Uncertain significance for POLD1-related polyposis and colorectal cancer syndrome. Last evaluated: 2025-12-22. Review status: criteria provided, single submitter. Criteria: Invitae Variant Classification Sherloc (09022015). Collection method: clinical testing. Allele origin: germline.
Comment: This sequence change replaces arginine, which is basic and polar, with tryptophan, which is neutral and slightly polar, at codon 1032 of the POLD1 protein (p.Arg1032Trp). This variant is present in population databases (rs760766848, gnomAD 0.02%). This variant has not been reported in the literature in individuals affected with POLD1-related conditions. ClinVar contains an entry for this variant (Variation ID: 407956). Invitae Evidence Modeling of protein sequence and biophysical properties (such as structural, functional, and spatial information, amino acid conservation, physicochemical variation, residue mobility, and thermodynamic stability) indicates that this missense variant is not expected to disrupt POLD1 protein function with a negative predictive value of 80%. In summary, the available evidence is currently insufficient to determine the role of this variant in disease. Therefore, it has been classified as a Variant of Uncertain Significance.

Center for Genomic Medicine, Rigshospitalet, Copenhagen University Hospital
Classification: Uncertain significance. Last evaluated: 2025-03-04. Review status: criteria provided, single submitter. Criteria: ACMG Guidelines, 2015. Collection method: clinical testing. Allele origin: germline.

Ambry Genetics
Classification: Uncertain significance for Hereditary cancer-predisposing syndrome. Last evaluated: 2024-12-16. Review status: criteria provided, single submitter. Criteria: Ambry Variant Classification Scheme 2023. Collection method: clinical testing. Allele origin: germline.
Comment: The p.R1032W variant (also known as c.3094C>T), located in coding exon 24 of the POLD1 gene, results from a C to T substitution at nucleotide position 3094. The arginine at codon 1032 is replaced by tryptophan, an amino acid with dissimilar properties. This amino acid position is well conserved in available vertebrate species. In addition, this alteration is predicted to be tolerated by in silico analysis. Based on the available evidence, the clinical significance of this variant remains unclear.

GeneDx
Classification: Uncertain significance. Last evaluated: 2023-09-05. Review status: criteria provided, single submitter. Criteria: GeneDx Variant Classification Process June 2021. Collection method: clinical testing. Allele origin: germline. Affected: yes.
Comment: In silico analysis supports that this missense variant has a deleterious effect on protein structure/function; Has not been previously published as pathogenic or benign to our knowledge

Quest Diagnostics Nichols Institute San Juan Capistrano
Classification: Uncertain significance. Last evaluated: 2020-04-17. Review status: criteria provided, single submitter. Criteria: Quest Diagnostics criteria. Collection method: clinical testing. Allele origin: unknown.